The following is an entry in ClinVar:

ClinVar aggregate classification (germline): Uncertain significance. Review status: criteria provided, multiple submitters, no conflicts (2 of 4 stars). 3 submissions from 3 submitters: Uncertain significance (3). Last evaluated 2025-10-15.

Conditions:
SCLT1-related disorder. Also called: SCLT1-related condition.

Allele frequency attached by ClinVar (database versions not stated): ExAC 0.00002; gnomAD 0.00004; gnomAD exomes 0.00002; TOPMed 0.00005; ESP Exome Variant Server 0.00008; 1000 Genomes Project 30x 0.00016.
gnomAD v4.1: 28 of 1,600,178 alleles (0.0017%); highest among the groups gnomAD compares: East Asian, 0.0045%; no homozygotes.

Submissions (3):

PreventionGenetics, part of Exact Sciences
Classification: Uncertain significance for SCLT1-related condition. Last evaluated: 2025-10-15. Review status: criteria provided, single submitter. Criteria: ACMG Guidelines, 2015. Collection method: clinical testing. Allele origin: germline.
Comment: The SCLT1 c.1300C>T variant is predicted to result in the amino acid substitution p.Arg434Cys. To our knowledge, this variant has not been reported in the literature. This variant is reported in 0.015% of alleles in individuals of East Asian descent in gnomAD. At this time, the clinical significance of this variant is uncertain due to the absence of conclusive functional and genetic evidence.

Ambry Genetics
Classification: Uncertain significance. Last evaluated: 2025-08-11. Review status: criteria provided, single submitter. Criteria: Ambry Variant Classification Scheme 2023. Collection method: clinical testing. Allele origin: germline.

Labcorp Genetics (formerly Invitae), Labcorp
Classification: Uncertain significance. Last evaluated: 2022-01-02. Review status: criteria provided, single submitter. Criteria: Invitae Variant Classification Sherloc (09022015). Collection method: clinical testing. Allele origin: germline.
Comment: This sequence change replaces arginine, which is basic and polar, with cysteine, which is neutral and slightly polar, at codon 434 of the SCLT1 protein (p.Arg434Cys). This variant is present in population databases (rs376175823, gnomAD 0.02%). This variant has not been reported in the literature in individuals affected with SCLT1-related conditions. Algorithms developed to predict the effect of missense changes on protein structure and function (SIFT, PolyPhen-2, Align-GVGD) all suggest that this variant is likely to be disruptive. In summary, the available evidence is currently insufficient to determine the role of this variant in disease. Therefore, it has been classified as a Variant of Uncertain Significance.

NM_144643.4(SCLT1):c.1300C>T (p.Arg434Cys)

Gene: SCLT1 (sodium channel and clathrin linker 1; minus strand). Cytogenetic location: 4q28.2.
Variant type: single nucleotide variant.
Coding change: c.1300C>T on transcript NM_144643.4 (MANE Select); coding-DNA position 1300, C replaced by T.
Protein change: p.Arg434Cys; replaces arginine 434 with cysteine.
Molecular consequence: missense variant.
Genome position (GRCh38, 1-based): chr4:128,946,146, G>A on the plus strand (C>T on the coding strand, the complement: SCLT1 is on the minus strand). VCF-style: chr4-128946146-G-A. GRCh37 (hg19) VCF-style: chr4-129867301-G-A.
Other names: c.1300C>T (NM_144643.2, NM_144643.3); short protein forms R434C.
Identifiers: ClinVar variation 1357690 (VCV001357690.7), dbSNP rs376175823, ClinGen allele CA3079653.
Genomic context (GRCh38, chr4:128,946,146, plus strand): 5'-GGAATCTTTGGTGCATTTCTTCCAGTTTTCTGTAATCACTCTCATTTCCTCTGCCTTCAC[G>A]GTAAATCTGCAGAAAAGGCTTATTAGGTATATAATATTACAGAAGAAACTGTCTTAATAA-3'
Protein context (NP_653244.2, residues 424-444): AVEEELEKIY[Arg434Cys]EGRGNESDYR